The following is an entry in ClinVar:

NM_001127222.2(CACNA1A):c.1198+301G>C

Gene: CACNA1A (calcium voltage-gated channel subunit alpha1 A; minus strand). Cytogenetic location: 19p13.13.
Variant type: single nucleotide variant.
Coding change: c.1198+301G>C on transcript NM_001127222.2 (MANE Select); 301 bases into the intron after coding-DNA position 1198, G replaced by C.
Molecular consequence: intron variant.
Genome position (GRCh38, 1-based): chr19:13,334,077, C>G on the plus strand (G>C on the coding strand, the complement: CACNA1A is on the minus strand). VCF-style: chr19-13334077-C-G. GRCh37 (hg19) VCF-style: chr19-13444891-C-G.
Other names: c.1198+301G>C (NM_001127221.2, NM_001174080.2, NM_000068.4 and 1 more transcripts).
Identifiers: ClinVar variation 668028 (VCV000668028.2), dbSNP rs4926150, ClinGen allele CA14655159.

ClinVar aggregate classification (germline): Benign. Review status: criteria provided, multiple submitters, no conflicts (2 of 4 stars). 2 submissions from 2 submitters: Benign (2). Last evaluated 2018-06-18.

Allele frequency attached by ClinVar (database versions not stated): gnomAD 0.64040 and 0.64434; TOPMed 0.64089; 1000 Genomes Project 0.64357; 1000 Genomes Project 30x 0.64756; gnomAD exomes 0.65481.
gnomAD v4.1: 204,119 of 314,126 alleles (65%); highest among the groups gnomAD compares: Admixed American, 74%; 67,149 homozygotes.

Submissions (2):

GeneDx
Classification: Benign. Last evaluated: 2018-06-18. Review status: criteria provided, single submitter. Criteria: GeneDx Variant Classification (06012015). Collection method: clinical testing. Allele origin: germline. Affected: yes.
Comment: This variant is considered likely benign or benign based on one or more of the following criteria: it is a conservative change, it occurs at a poorly conserved position in the protein, it is predicted to be benign by multiple in silico algorithms, and/or has population frequency not consistent with disease.

Breakthrough Genomics
Classification: Benign. Review status: criteria provided, single submitter. Criteria: ACMG Guidelines, 2015. Collection method: not provided. Allele origin: germline. Inheritance: Autosomal dominant inheritance. Affected: yes.